The following is an entry in ClinVar:

NM_001276270.2(MBD4):c.58G>A (p.Val20Ile)

Gene: MBD4 (methyl-CpG binding domain 4, DNA glycosylase; minus strand). Cytogenetic location: 3q21.3.
Variant type: single nucleotide variant.
Coding change: c.58G>A on transcript NM_001276270.2 (MANE Select); coding-DNA position 58, G replaced by A.
Protein change: p.Val20Ile; replaces valine 20 with isoleucine.
Molecular consequence: missense variant.
Genome position (GRCh38, 1-based): chr3:129,439,776, C>T on the plus strand (G>A on the coding strand, the complement: MBD4 is on the minus strand). VCF-style: chr3-129439776-C-T. GRCh37 (hg19) VCF-style: chr3-129158619-C-T.
Other names: c.58G>A, p.Val20Ile (NM_001276271.2, NM_001276272.2, NM_001276273.2 and 1 more transcripts); short protein forms V20I.
Identifiers: ClinVar variation 3728383 (VCV003728383.2).

ClinVar aggregate classification (germline): Uncertain significance (1 of 4 stars; one submission).

gnomAD v4.1: 2 of 1,608,374 alleles (0.00012%); highest among the groups gnomAD compares: South Asian, 0.0022%; no homozygotes.

Submission:

Labcorp Genetics (formerly Invitae), Labcorp
Classification: Uncertain significance. Last evaluated: 2025-02-12. Review status: criteria provided, single submitter. Criteria: Invitae Variant Classification Sherloc (09022015). Collection method: clinical testing. Allele origin: germline.
Comment: This sequence change replaces valine, which is neutral and non-polar, with isoleucine, which is neutral and non-polar, at codon 20 of the MBD4 protein (p.Val20Ile). This variant is not present in population databases (gnomAD no frequency). This variant has not been reported in the literature in individuals affected with MBD4-related conditions. An algorithm developed to predict the effect of missense changes on protein structure and function outputs the following: PolyPhen-2: "Benign". The isoleucine amino acid residue is found in multiple mammalian species, which suggests that this missense change does not adversely affect protein function. In summary, the available evidence is currently insufficient to determine the role of this variant in disease. Therefore, it has been classified as a Variant of Uncertain Significance.